The following is an entry in ClinVar:

ClinVar aggregate classification (germline): Likely benign (1 of 4 stars; one submission).

gnomAD v4.1: 2 of 1,613,980 alleles (0.00012%); highest among the groups gnomAD compares: Non-Finnish European, 0.00017%; no homozygotes.

Submission:

GeneDx
Classification: Likely benign. Last evaluated: 2018-01-03. Review status: criteria provided, single submitter. Criteria: GeneDx Variant Classification (06012015). Collection method: clinical testing. Allele origin: germline. Affected: yes.
Comment: This variant is considered likely benign or benign based on one or more of the following criteria: it is a conservative change, it occurs at a poorly conserved position in the protein, it is predicted to be benign by multiple in silico algorithms, and/or has population frequency not consistent with disease.

NM_016239.4(MYO15A):c.4146C>A (p.Gly1382=)

Gene: MYO15A (myosin XVA; plus strand). Cytogenetic location: 17p11.2.
Variant type: single nucleotide variant.
Coding change: c.4146C>A on transcript NM_016239.4 (MANE Select); coding-DNA position 4146, C replaced by A.
Protein change: p.Gly1382=; no amino-acid change (glycine 1382 retained).
Molecular consequence: synonymous variant.
Genome position (GRCh38, 1-based): chr17:18,131,471, C>A. VCF-style: chr17-18131471-C-A. GRCh37 (hg19) VCF-style: chr17-18034785-C-A.
Identifiers: ClinVar variation 514258 (VCV000514258.1), dbSNP rs542219085, ClinGen allele CA498198701.